The following is an entry in ClinVar:

NM_001851.6(COL9A1):c.808C>T (p.Pro270Ser)

Gene: COL9A1 (collagen type IX alpha 1 chain; minus strand). Cytogenetic location: 6q13.
Variant type: single nucleotide variant.
Coding change: c.808C>T on transcript NM_001851.6 (MANE Select); coding-DNA position 808, C replaced by T.
Protein change: p.Pro270Ser; replaces proline 270 with serine.
Molecular consequence: missense variant. On other transcripts: non-coding transcript variant (1).
Genome position (GRCh38, 1-based): chr6:70,281,458, G>A on the plus strand (C>T on the coding strand, the complement: COL9A1 is on the minus strand). VCF-style: chr6-70281458-G-A. GRCh37 (hg19) VCF-style: chr6-70991161-G-A.
Other names: c.79C>T, p.Pro27Ser (NM_001377289.1, NM_001377290.1, NM_078485.4); c.808C>T, p.Pro270Ser (NM_001377291.1); short protein forms P270S, P27S.
Identifiers: ClinVar variation 851094 (VCV000851094.14), dbSNP rs376107070, ClinGen allele CA3882654.
Genomic context (GRCh38, chr6:70,281,458, plus strand): 5'-CATCGATGCCTGGAACTCCAGGGGGGCCCGGAGGCCCGGGAGGACCCTGCTCACCCGGGG[G>A]ACCTCTCTGGCAAAAATAGCAGACATAGGTTAGTGGAGCACATCGGGCAACAGGGAGCAA-3'
Protein context (NP_001842.3, residues 260-280): TPSQTTDERG[Pro270Ser]PGEQGPPGPP

ClinVar aggregate classification (germline): Uncertain significance. Review status: criteria provided, multiple submitters, no conflicts (2 of 4 stars). 5 submissions from 5 submitters: Uncertain significance (5). Last evaluated 2024-05-27.

Conditions:
COL9A1-related disorder. Also called: COL9A1-related disorders; COL9A1-related condition.

Allele frequency attached by ClinVar (database versions not stated): gnomAD exomes 0.00005; ExAC 0.00006; gnomAD 0.00008 and 0.00009; TOPMed 0.00015; ESP Exome Variant Server 0.00023.
gnomAD v4.1: 138 of 1,611,660 alleles (0.0086%); highest among the groups gnomAD compares: African/African-American, 0.015%; no homozygotes.

Submissions (5):

Blueprint Genetics
Classification: Uncertain significance. Last evaluated: 2024-05-27. Review status: criteria provided, single submitter. Criteria: ACMG Guidelines, 2015. Collection method: clinical testing. Allele origin: germline.

Women's Health and Genetics/Laboratory Corporation of America, LabCorp
Classification: Uncertain significance. Last evaluated: 2024-03-06. Review status: criteria provided, single submitter. Criteria: LabCorp Variant Classification Summary - May 2015. Collection method: clinical testing. Allele origin: germline.
Comment: Variant summary: COL9A1 c.808C>T (p.Pro270Ser) results in a non-conservative amino acid change in the encoded protein sequence. Four of five in-silico tools predict a damaging effect of the variant on protein function. The variant allele was found at a frequency of 4.9e-05 in 244558 control chromosomes. To our knowledge, no occurrence of c.808C>T in individuals affected with COL9A1-Related Disorders and no experimental evidence demonstrating its impact on protein function have been reported. ClinVar contains an entry for this variant (Variation ID: 851094). Based on the evidence outlined above, the variant was classified as uncertain significance.

GeneDx
Classification: Uncertain significance. Last evaluated: 2024-01-25. Review status: criteria provided, single submitter. Criteria: GeneDx Variant Classification Process June 2021. Collection method: clinical testing. Allele origin: germline. Affected: yes.
Comment: Has not been previously published as pathogenic or benign to our knowledge; In silico analysis supports that this missense variant has a deleterious effect on protein structure/function

PreventionGenetics, part of Exact Sciences
Classification: Uncertain significance for COL9A1-related condition. Last evaluated: 2023-02-14. Review status: criteria provided, single submitter. Criteria: ACMG Guidelines, 2015. Collection method: clinical testing. Allele origin: germline.
Comment: The COL9A1 c.808C>T variant is predicted to result in the amino acid substitution p.Pro270Ser. To our knowledge, this variant has not been reported in the literature. This variant is reported in 0.029% of alleles in individuals of African descent in gnomAD. At this time, the clinical significance of this variant is uncertain due to the absence of conclusive functional and genetic evidence.

Labcorp Genetics (formerly Invitae), Labcorp
Classification: Uncertain significance. Last evaluated: 2022-09-19. Review status: criteria provided, single submitter. Criteria: Invitae Variant Classification Sherloc (09022015). Collection method: clinical testing. Allele origin: germline.
Comment: This sequence change replaces proline, which is neutral and non-polar, with serine, which is neutral and polar, at codon 270 of the COL9A1 protein (p.Pro270Ser). This variant is present in population databases (rs376107070, gnomAD 0.03%). This variant has not been reported in the literature in individuals affected with COL9A1-related conditions. ClinVar contains an entry for this variant (Variation ID: 851094). Advanced modeling of protein sequence and biophysical properties (such as structural, functional, and spatial information, amino acid conservation, physicochemical variation, residue mobility, and thermodynamic stability) performed at Invitae indicates that this missense variant is not expected to disrupt COL9A1 protein function. In summary, the available evidence is currently insufficient to determine the role of this variant in disease. Therefore, it has been classified as a Variant of Uncertain Significance.